The following is an entry in ClinVar:

ClinVar aggregate classification (germline): Conflicting classifications of pathogenicity. Review status: criteria provided, conflicting classifications (1 of 4 stars). 6 submissions from 6 submitters: Uncertain significance (4); Likely benign (2). Last evaluated 2025-11-26.

Conditions:
BAP1-related tumor predisposition syndrome (TPDS1). Also called: BAP1 tumor predisposition syndrome; Tumor susceptibility linked to germline BAP1 mutations; TUMOR PREDISPOSITION SYNDROME 1; COMMON Syndrome. Identifiers: Orphanet 289539, MedGen C3280492, MONDO:0013692, OMIM 614327.
Hereditary cancer-predisposing syndrome. Also called: Neoplastic Syndromes, Hereditary; Tumor predisposition; Hereditary Cancer Syndrome; Hereditary neoplastic syndrome. Identifiers: Orphanet 140162, MedGen C0027672, MeSH D009386, MONDO:0015356.

Allele frequency attached by ClinVar (database versions not stated): ExAC 0.00001; gnomAD exomes 0.00001; TOPMed 0.00002; gnomAD 0.00003 and 0.00004; ESP Exome Variant Server 0.00008.

Submissions (6):

Labcorp Genetics (formerly Invitae), Labcorp
Classification: Uncertain significance for BAP1-related tumor predisposition syndrome. Last evaluated: 2025-11-26. Review status: criteria provided, single submitter. Criteria: Invitae Variant Classification Sherloc (09022015). Collection method: clinical testing. Allele origin: germline.
Comment: This sequence change replaces histidine, which is basic and polar, with arginine, which is basic and polar, at codon 481 of the BAP1 protein (p.His481Arg). The frequency data for this variant in the population databases is considered unreliable, as metrics indicate poor data quality at this position in the gnomAD database. This variant has not been reported in the literature in individuals affected with BAP1-related conditions. ClinVar contains an entry for this variant (Variation ID: 412446). Invitae Evidence Modeling of protein sequence and biophysical properties (such as structural, functional, and spatial information, amino acid conservation, physicochemical variation, residue mobility, and thermodynamic stability) indicates that this missense variant is not expected to disrupt BAP1 protein function with a negative predictive value of 80%. In summary, the available evidence is currently insufficient to determine the role of this variant in disease. Therefore, it has been classified as a Variant of Uncertain Significance.

Myriad Genetics, Inc.
Classification: Likely benign for BAP1-related tumor predisposition syndrome. Last evaluated: 2024-07-16. Review status: criteria provided, single submitter. Criteria: Myriad Autosomal Dominant, Autosomal Recessive and X-Linked Classification Criteria (2023). Collection method: clinical testing. Allele origin: unknown.
Comment: This variant is considered likely benign. This variant has been observed at a population frequency that is significantly greater than expected given the associated disease prevalence and penetrance.

Baylor Genetics
Classification: Uncertain significance for BAP1-related tumor predisposition syndrome. Last evaluated: 2024-02-16. Review status: criteria provided, single submitter. Criteria: ACMG Guidelines, 2015. Collection method: clinical testing. Allele origin: unknown.

Ambry Genetics
Classification: Likely benign for Hereditary cancer-predisposing syndrome. Last evaluated: 2024-02-15. Review status: criteria provided, single submitter. Criteria: Ambry Variant Classification Scheme 2023. Collection method: clinical testing. Allele origin: germline.

GeneDx
Classification: Uncertain significance. Last evaluated: 2023-08-30. Review status: criteria provided, single submitter. Criteria: GeneDx Variant Classification Process June 2021. Collection method: clinical testing. Allele origin: germline. Affected: yes.
Comment: Not observed at significant frequency in large population cohorts (gnomAD); In silico analysis supports that this missense variant does not alter protein structure/function; Present in cancer-free control individuals but not observed in melanoma cases (Pritchard et al., 2018); This variant is associated with the following publications: (PMID: 26452128, 29641532)

Color Diagnostics, LLC DBA Color Health
Classification: Uncertain significance for Hereditary cancer-predisposing syndrome. Last evaluated: 2022-12-14. Review status: criteria provided, single submitter. Criteria: ACMG Guidelines, 2015. Collection method: clinical testing. Allele origin: germline.
Comment: This missense variant replaces histidine with arginine at codon 481 of the BAP1 protein. Computational prediction suggests that this variant may not impact protein structure and function (internally defined REVEL score threshold <= 0.5, PMID: 27666373). To our knowledge, functional studies have not been reported for this variant. This variant has not been reported in individuals affected with BAP1-related disorders in the literature. This variant has been identified in 3/246078 chromosomes in the general population by the Genome Aggregation Database (gnomAD). The available evidence is insufficient to determine the role of this variant in disease conclusively. Therefore, this variant is classified as a Variant of Uncertain Significance.

NM_004656.4(BAP1):c.1442A>G (p.His481Arg)

Gene: BAP1 (BRCA1 associated deubiquitinase 1; minus strand). Cytogenetic location: 3p21.1.
Variant type: single nucleotide variant.
Coding change: c.1442A>G on transcript NM_004656.4 (MANE Select); coding-DNA position 1442, A replaced by G.
Protein change: p.His481Arg; replaces histidine 481 with arginine.
Molecular consequence: missense variant.
Genome position (GRCh38, 1-based): chr3:52,403,703, T>C on the plus strand (A>G on the coding strand, the complement: BAP1 is on the minus strand). VCF-style: chr3-52403703-T-C. GRCh37 (hg19) VCF-style: chr3-52437719-T-C.
Other names: c.1442A>G (LRG_529t1); short protein forms H481R.
Identifiers: ClinVar variation 412446 (VCV000412446.29), dbSNP rs150441842, ClinGen allele CA2436800.
Genomic context (GRCh38, chr3:52,403,703, plus strand): 5'-CTGCCGATCTCAGAGGCCGTGTCTGTACTCTCATTGCTGGGGGTGGGTGAGGGCTGCGAG[T>C]GTGTGGGCACTGCCACAGCCGGACTCCCAGCCCCGCTGCTAGTCTTGATGGACAGAGGAA-3'
Protein context (NP_004647.1, residues 471-491): AGSPAVAVPT[His481Arg]SQPSPTPSNE